The following is an entry in ClinVar:

ClinVar aggregate classification (germline): Uncertain significance (1 of 4 stars; one submission).

Submissions (3):

Laboratory for Molecular Medicine, Mass General Brigham Personalized Medicine
Classification: Uncertain significance. Last evaluated: 2016-03-29. Review status: criteria provided, single submitter. Criteria: LMM Criteria. Collection method: clinical testing. Allele origin: germline.
Comment: Variant identified in a genome or exome case(s) and assessed due to predicted null impact of the variant or pathogenic assertions in the literature or databases. Disclaimer: This variant has not undergone full assessment. The following are preliminary notes: Predicted LOF in exon 10/12. Some very frequent LOF variants 5' to this variant in ExAC. However, gene has been implicated in lung development - in homozygous mouse knockout model, defects in lung morphology were observed (PMID 19008920).

Dr. Peter K. Rogan Lab, Western University
No classification provided (evidence only). Condition: Clear cell carcinoma of kidney. Review status: no classification provided. Collection method: in vitro. Allele origin: not applicable. Functional consequence: retained intron. Not counted in ClinVar's aggregate classification.

Dr. Peter K. Rogan Lab, Western University
No classification provided (evidence only). Condition: Melanoma. Review status: no classification provided. Collection method: in vitro. Allele origin: not applicable. Functional consequence: retained intron. Not counted in ClinVar's aggregate classification.

NM_014739.3(BCLAF1):c.2397+1G>C

Gene: BCLAF1 (BCL2 associated transcription factor 1; minus strand). Cytogenetic location: 6q23.3.
Variant type: single nucleotide variant.
Coding change: c.2397+1G>C on transcript NM_014739.3 (MANE Select); the canonical splice donor site of the intron after coding-DNA position 2397, G replaced by C.
Molecular consequence: splice donor variant.
Genome position (GRCh38, 1-based): chr6:136,268,161, C>G on the plus strand (G>C on the coding strand, the complement: BCLAF1 is on the minus strand). VCF-style: chr6-136268161-C-G. GRCh37 (hg19) VCF-style: chr6-136589299-C-G.
Other names: c.1878+1G>C (NM_001386704.1, NM_001386697.1, NM_001077441.3 and 1 more transcripts); c.1872+1G>C (NM_001386698.1, NM_001386696.1, NM_001386703.1); c.2391+1G>C (NM_001077440.3, NM_001301038.3); c.1194+1G>C (NM_001386699.1); c.1875+1G>C (NM_001386695.1); c.2394+1G>C (NM_001386694.1, NM_001386693.1); c.2397+1G>C (NM_001363659.3, NM_001386701.1, NM_001386700.1).
Identifiers: ClinVar variation 402424 (VCV000402424.5), dbSNP rs879165205, ClinGen allele CA16609731.